The following is an entry in ClinVar:

NM_020806.5(GPHN):c.635G>A (p.Cys212Tyr)

Gene: GPHN (gephyrin; plus strand). Cytogenetic location: 14q23.3.
Variant type: single nucleotide variant.
Coding change: c.635G>A on transcript NM_020806.5 (MANE Select); coding-DNA position 635, G replaced by A.
Protein change: p.Cys212Tyr; replaces cysteine 212 with tyrosine.
Molecular consequence: missense variant.
Genome position (GRCh38, 1-based): chr14:66,922,844, G>A. VCF-style: chr14-66922844-G-A. GRCh37 (hg19) VCF-style: chr14-67389561-G-A.
Other names: c.635G>A, p.Cys212Tyr (NM_001024218.2, NM_001377515.1, NM_001377516.1 and 2 more transcripts); c.674G>A, p.Cys225Tyr (NM_001377514.1, NM_001377519.1); short protein forms C212Y, C225Y.
Identifiers: ClinVar variation 2769798 (VCV002769798.3), dbSNP rs2549615407, ClinGen allele CA390256370.
Genomic context (GRCh38, chr14:66,922,844, plus strand): 5'-CTCTTTCCCCTCCTCCTACTACCAGCCCCCATAAACAGACAGAAGACAAAGGAGTTCAAT[G>A]TGAGGAAGAGGAAGAAGAGAAGAAAGACAGTGGTGTTGCTTCAACAGAAGATAGTTCCTC-3'
Protein context (NP_065857.1, residues 202-222): HKQTEDKGVQ[Cys212Tyr]EEEEEEKKDS

ClinVar aggregate classification (germline): Uncertain significance (1 of 4 stars; one submission).

Conditions:
Sulfite oxidase deficiency due to molybdenum cofactor deficiency type C. Also called: Molybdenum cofactor deficiency C; Molybdenum cofactor deficiency, complementation group C. Identifiers: Orphanet 308400, Orphanet 833, MedGen C1854990, MONDO:0014212, OMIM 615501.

Submission:

Labcorp Genetics (formerly Invitae), Labcorp
Classification: Uncertain significance for Sulfite oxidase deficiency due to molybdenum cofactor deficiency type C. Last evaluated: 2023-10-18. Review status: criteria provided, single submitter. Criteria: Invitae Variant Classification Sherloc (09022015). Collection method: clinical testing. Allele origin: germline.
Comment: This sequence change replaces cysteine, which is neutral and slightly polar, with tyrosine, which is neutral and polar, at codon 212 of the GPHN protein (p.Cys212Tyr). This variant is not present in population databases (gnomAD no frequency). This variant has not been reported in the literature in individuals affected with GPHN-related conditions. Advanced modeling of protein sequence and biophysical properties (such as structural, functional, and spatial information, amino acid conservation, physicochemical variation, residue mobility, and thermodynamic stability) has been performed at Invitae for this missense variant, however the output from this modeling did not meet the statistical confidence thresholds required to predict the impact of this variant on GPHN protein function. In summary, the available evidence is currently insufficient to determine the role of this variant in disease. Therefore, it has been classified as a Variant of Uncertain Significance.